The following is an entry in ClinVar:

ClinVar aggregate classification (germline): Uncertain significance (1 of 4 stars; one submission).

Conditions:
Autosomal dominant limb-girdle muscular dystrophy type 1D (DNAJB6) (LGMDD1). Also called: MUSCULAR DYSTROPHY, LIMB-GIRDLE, TYPE 1D; Autosomal dominant limb-girdle muscular dystrophy type 1D; Muscular dystrophy, limb-girdle, autosomal dominant 1; MUSCULAR DYSTROPHY, AUTOSOMAL DOMINANT, WITH RIMMED VACUOLES. Identifiers: Orphanet 34516, MedGen C4721885, MONDO:0021018, OMIM 603511.

Submission:

Labcorp Genetics (formerly Invitae), Labcorp
Classification: Uncertain significance for Autosomal dominant limb-girdle muscular dystrophy type 1D (DNAJB6). Last evaluated: 2022-03-03. Review status: criteria provided, single submitter. Criteria: Invitae Variant Classification Sherloc (09022015). Collection method: clinical testing. Allele origin: germline.
Comment: In summary, the available evidence is currently insufficient to determine the role of this variant in disease. Therefore, it has been classified as a Variant of Uncertain Significance. This variant has not been reported in the literature in individuals affected with DNAJB6-related conditions. This variant results in a copy number gain of the genomic region encompassing exon(s) 10 of the DNAJB6 gene. This region includes the termination codon of the gene. This copy number gain extends beyond the assayed region for this gene and therefore may encompass additional genes. As the precise location of this event is unknown, it may be in tandem or it may be located elsewhere in the genome.

NC_000007.13:g.(?_157208690)_(157208792_?)dup

Gene: DNAJB6 (DnaJ heat shock protein family (Hsp40) member B6; plus strand). Cytogenetic location: 7q36.3.
Variant type: Duplication.
Identifiers: ClinVar variation 1441622 (VCV001441622.7).